The following is an entry in ClinVar:

NM_032119.4(ADGRV1):c.1510-51C>A

Gene: ADGRV1 (adhesion G protein-coupled receptor V1; plus strand). Cytogenetic location: 5q14.3.
Variant type: single nucleotide variant.
Coding change: c.1510-51C>A on transcript NM_032119.4 (MANE Select); 51 bases into the intron before coding-DNA position 1510, C replaced by A.
Molecular consequence: intron variant.
Genome position (GRCh38, 1-based): chr5:90,629,159, C>A. VCF-style: chr5-90629159-C-A. GRCh37 (hg19) VCF-style: chr5-89924976-C-A.
Identifiers: ClinVar variation 670347 (VCV000670347.1), dbSNP rs2366771, ClinGen allele CA12157300.
Genomic context (GRCh38, chr5:90,629,159, plus strand): 5'-TAGACATAAAATATTAATAAATATTAAAATTAGAATAACATGGAAAATACAGAGTTTGAT[C>A]ATCTCAGATGCGAGAATTCTGTACTTTAATATTTTATTCCTTTACTTCAGCTTTTGTTCT-3'

ClinVar aggregate classification (germline): Benign (1 of 4 stars; one submission).

Allele frequency attached by ClinVar (database versions not stated): gnomAD exomes 0.68372; ESP Exome Variant Server 0.71774; gnomAD 0.73045 and 0.73145; TOPMed 0.74574; 1000 Genomes Project 30x 0.78576; 1000 Genomes Project 0.79034.
gnomAD v4.1: 666,712 of 963,172 alleles (69%); highest among the groups gnomAD compares: East Asian, 82%; 233,005 homozygotes.

Submission:

GeneDx
Classification: Benign. Last evaluated: 2018-06-14. Review status: criteria provided, single submitter. Criteria: GeneDx Variant Classification (06012015). Collection method: clinical testing. Allele origin: germline. Affected: yes.
Comment: This variant is considered likely benign or benign based on one or more of the following criteria: it is a conservative change, it occurs at a poorly conserved position in the protein, it is predicted to be benign by multiple in silico algorithms, and/or has population frequency not consistent with disease.